The following is an entry in ClinVar:

NM_001048174.2(MUTYH):c.192A>C (p.Glu64Asp)

Gene: MUTYH (mutY DNA glycosylase; minus strand). Cytogenetic location: 1p34.1.
Variant type: single nucleotide variant.
Coding change: c.192A>C on transcript NM_001048174.2 (MANE Select); coding-DNA position 192, A replaced by C.
Protein change: p.Glu64Asp; replaces glutamic acid 64 with aspartic acid.
Molecular consequence: missense variant. On other transcripts: 5 prime UTR variant (6), non-coding transcript variant (7).
Genome position (GRCh38, 1-based): chr1:45,333,485, T>G on the plus strand (A>C on the coding strand, the complement: MUTYH is on the minus strand). VCF-style: chr1-45333485-T-G. GRCh37 (hg19) VCF-style: chr1-45799157-T-G.
Other names: c.192A>C, p.Glu64Asp (NM_001048171.2, NM_001048173.2, NM_001293195.2 and 6 more transcripts); c.195A>C, p.Glu65Asp (NM_001048172.2, NM_001407071.1, NM_001407078.1 and 2 more transcripts); c.276A>C, p.Glu92Asp (NM_001128425.2); c.237A>C, p.Glu79Asp (NM_001293190.2); c.225A>C, p.Glu75Asp (NM_001293191.2, NM_001407077.1); c.-85A>C (NM_001293192.2, NM_001293196.2, NM_001407091.1); c.-80A>C (NM_001350650.2, NM_001350651.2, NM_001407082.1); c.267A>C, p.Glu89Asp (NM_001407069.1, NM_012222.3); and 3 more; short protein forms E64D, E75D, E78D, E89D, E65D, E79D, E36D, E71D.
Identifiers: ClinVar variation 4113571 (VCV004113571.1).

ClinVar aggregate classification (germline): Uncertain significance (1 of 4 stars; one submission).

Conditions:
Hereditary cancer-predisposing syndrome. Also called: Hereditary neoplastic syndrome; Neoplastic Syndromes, Hereditary; Tumor predisposition; Hereditary Cancer Syndrome. Identifiers: Orphanet 140162, MedGen C0027672, MeSH D009386, MONDO:0015356.

Submission:

Ambry Genetics
Classification: Uncertain significance for Hereditary cancer-predisposing syndrome. Last evaluated: 2025-08-27. Review status: criteria provided, single submitter. Criteria: Ambry Variant Classification Scheme 2023. Collection method: clinical testing. Allele origin: germline.
Comment: The p.E92D variant (also known as c.276A>C), located in coding exon 3 of the MUTYH gene, results from an A to C substitution at nucleotide position 276. The glutamic acid at codon 92 is replaced by aspartic acid, an amino acid with highly similar properties. This amino acid position is conserved. In addition, this alteration is predicted to be tolerated by in silico analysis. Based on the available evidence, the clinical significance of this variant remains unclear.